The following is an entry in ClinVar:

NM_032608.7(MYO18B):c.7610G>T (p.Gly2537Val)

Gene: MYO18B (myosin XVIIIB; plus strand). Cytogenetic location: 22q12.1.
Variant type: single nucleotide variant.
Coding change: c.7610G>T on transcript NM_032608.7 (MANE Select); coding-DNA position 7610, G replaced by T.
Protein change: p.Gly2537Val; replaces glycine 2537 with valine.
Molecular consequence: missense variant.
Genome position (GRCh38, 1-based): chr22:26,027,584, G>T. VCF-style: chr22-26027584-G-T. GRCh37 (hg19) VCF-style: chr22-26423550-G-T.
Other names: c.7613G>T, p.Gly2538Val (NM_001318245.2); short protein forms G2537V, G2538V.
Identifiers: ClinVar variation 2015048 (VCV002015048.2), dbSNP rs1936359609, ClinGen allele CA411013073.

ClinVar aggregate classification (germline): Uncertain significance (1 of 4 stars; one submission).

Submission:

Labcorp Genetics (formerly Invitae), Labcorp
Classification: Uncertain significance. Last evaluated: 2022-07-19. Review status: criteria provided, single submitter. Criteria: Invitae Variant Classification Sherloc (09022015). Collection method: clinical testing. Allele origin: germline.
Comment: This variant is not present in population databases (gnomAD no frequency). In summary, the available evidence is currently insufficient to determine the role of this variant in disease. Therefore, it has been classified as a Variant of Uncertain Significance. Algorithms developed to predict the effect of missense changes on protein structure and function are either unavailable or do not agree on the potential impact of this missense change (SIFT: "Not Available"; PolyPhen-2: "Possibly Damaging"; Align-GVGD: "Not Available"). This variant has not been reported in the literature in individuals affected with MYO18B-related conditions. This sequence change replaces glycine, which is neutral and non-polar, with valine, which is neutral and non-polar, at codon 2537 of the MYO18B protein (p.Gly2537Val).